The following is an entry in ClinVar:

NM_015295.3(SMCHD1):c.43G>T (p.Gly15Trp)

Gene: SMCHD1 (structural maintenance of chromosomes flexible hinge domain containing 1; plus strand). Cytogenetic location: 18p11.32.
Variant type: single nucleotide variant.
Coding change: c.43G>T on transcript NM_015295.3 (MANE Select); coding-DNA position 43, G replaced by T.
Protein change: p.Gly15Trp; replaces glycine 15 with tryptophan.
Molecular consequence: missense variant.
Genome position (GRCh38, 1-based): chr18:2,656,118, G>T. VCF-style: chr18-2656118-G-T. GRCh37 (hg19) VCF-style: chr18-2656117-G-T.
Other names: c.43G>T (NM_015295.2); short protein forms G15W.
Identifiers: ClinVar variation 1991580 (VCV001991580.6), dbSNP rs750240803, ClinGen allele CA8870445.
Genomic context (GRCh38, chr18:2,656,118, plus strand): 5'-TTTCTCCTTTTCCCCAATATGGCAGCGGCGGACGGCGGCGGGCCTGGTGGGGCCTCTGTG[G>T]GGACTGAGGAGGATGGCGGAGGCGTCGGCCACAGGACGGTGTACTTGTTTGATCGGCGCG-3'
Protein context (NP_056110.2, residues 5-25): DGGGPGGASV[Gly15Trp]TEEDGGGVGH

ClinVar aggregate classification (germline): Uncertain significance. Review status: criteria provided, multiple submitters, no conflicts (2 of 4 stars). 3 submissions from 3 submitters: Uncertain significance (3). Last evaluated 2025-11-11.

Conditions:
Facioscapulohumeral muscular dystrophy 2 (FSHD2). Also called: FACIOSCAPULOHUMERAL MUSCULAR DYSTROPHY 2, DIGENIC; FSHD2, DIGENIC; MUSCULAR DYSTROPHY, FACIOSCAPULOHUMERAL, TYPE 1B. Identifiers: Orphanet 269, MedGen C1834671, MONDO:0008031, OMIM 158901.
Inborn genetic diseases. Identifiers: MedGen C0950123, MeSH D030342.

Allele frequency attached by ClinVar (database versions not stated): gnomAD exomes below 0.00001; ExAC 0.00004; TOPMed 0.00012; gnomAD 0.00024.
gnomAD v4.1: 38 of 1,463,788 alleles (0.0026%); highest among the groups gnomAD compares: Admixed American, 0.11%; 1 homozygote.

Submissions (3):

Ambry Genetics
Classification: Uncertain significance for Inborn genetic diseases. Last evaluated: 2025-11-11. Review status: criteria provided, single submitter. Criteria: Ambry Variant Classification Scheme 2023. Collection method: clinical testing. Allele origin: germline.

GeneDx
Classification: Uncertain significance. Last evaluated: 2024-11-03. Review status: criteria provided, single submitter. Criteria: GeneDx Variant Classification Process June 2021. Collection method: clinical testing. Allele origin: germline. Affected: yes.
Comment: In silico analysis indicates that this missense variant does not alter protein structure/function; Has not been previously published as pathogenic or benign to our knowledge

Labcorp Genetics (formerly Invitae), Labcorp
Classification: Uncertain significance for Facioscapulohumeral muscular dystrophy 2. Last evaluated: 2022-10-17. Review status: criteria provided, single submitter. Criteria: Invitae Variant Classification Sherloc (09022015). Collection method: clinical testing. Allele origin: germline.
Comment: This variant has not been reported in the literature in individuals affected with SMCHD1-related conditions. In summary, the available evidence is currently insufficient to determine the role of this variant in disease. Therefore, it has been classified as a Variant of Uncertain Significance. Algorithms developed to predict the effect of missense changes on protein structure and function are either unavailable or do not agree on the potential impact of this missense change (SIFT: "Deleterious"; PolyPhen-2: "Not Available"; Align-GVGD: "Class C0"). The frequency data for this variant in the population databases is considered unreliable, as metrics indicate poor data quality at this position in the gnomAD database. This sequence change replaces glycine, which is neutral and non-polar, with tryptophan, which is neutral and slightly polar, at codon 15 of the SMCHD1 protein (p.Gly15Trp).